The following is an entry in ClinVar:

NM_001112726.3(CEP170B):c.2572G>A (p.Gly858Ser)

Gene: CEP170B (centrosomal protein 170B; plus strand). Cytogenetic location: 14q32.33.
Variant type: single nucleotide variant.
Coding change: c.2572G>A on transcript NM_001112726.3 (MANE Select); coding-DNA position 2572, G replaced by A.
Protein change: p.Gly858Ser; replaces glycine 858 with serine.
Molecular consequence: missense variant.
Genome position (GRCh38, 1-based): chr14:104,886,811, G>A. VCF-style: chr14-104886811-G-A. GRCh37 (hg19) VCF-style: chr14-105353148-G-A.
Other names: c.2362G>A, p.Gly788Ser (NM_015005.3); short protein forms G788S, G858S.
Identifiers: ClinVar variation 3052819 (VCV003052819.3), dbSNP rs201228019, ClinGen allele CA7375908.

ClinVar aggregate classification (germline): Likely benign. Review status: criteria provided, single submitter (1 of 4 stars). 2 submissions from 2 submitters: Likely benign (1). 1 of the submissions does not count toward it. Last evaluated 2025-08-04.

Conditions:
CEP170B-related disorder. Also called: CEP170B-related condition.

Allele frequency attached by ClinVar (database versions not stated): gnomAD exomes 0.00014; ExAC 0.00045; ESP Exome Variant Server 0.00098; gnomAD 0.00159; TOPMed 0.00176; 1000 Genomes Project 0.00280; 1000 Genomes Project 30x 0.00312.

Submissions (2):

Ambry Genetics
Classification: Likely benign. Last evaluated: 2025-08-04. Review status: criteria provided, single submitter. Criteria: Ambry Variant Classification Scheme 2023. Collection method: clinical testing. Allele origin: germline.

PreventionGenetics, part of Exact Sciences
Classification: Likely benign for CEP170B-related condition. Last evaluated: 2019-12-12. Review status: no assertion criteria provided. Collection method: clinical testing. Allele origin: germline. Not counted in ClinVar's aggregate classification.
Comment: This variant is classified as likely benign based on ACMG/AMP sequence variant interpretation guidelines (Richards et al. 2015 PMID: 25741868, with internal and published modifications).